The following is an entry in ClinVar:

NM_032551.5(KISS1R):c.1065C>G (p.Asp355Glu)

Gene: KISS1R (KISS1 receptor; plus strand). Cytogenetic location: 19p13.3.
Variant type: single nucleotide variant.
Coding change: c.1065C>G on transcript NM_032551.5 (MANE Select); coding-DNA position 1065, C replaced by G.
Protein change: p.Asp355Glu; replaces aspartic acid 355 with glutamic acid.
Molecular consequence: missense variant.
Genome position (GRCh38, 1-based): chr19:920,616, C>G. VCF-style: chr19-920616-C-G. GRCh37 (hg19) VCF-style: chr19-920616-C-G.
Other names: short protein forms D355E.
Identifiers: ClinVar variation 2433161 (VCV002433161.5), dbSNP rs1233812471, ClinGen allele CA402917882.

ClinVar aggregate classification (germline): Uncertain significance. Review status: criteria provided, single submitter (1 of 4 stars). 2 submissions from 2 submitters: Uncertain significance (1). 1 of the submissions does not count toward it. Last evaluated 2020-12-22.

Submissions (2):

Revvity Omics, Revvity
Classification: Uncertain significance. Last evaluated: 2020-12-22. Review status: criteria provided, single submitter. Criteria: ACMG Guidelines, 2015. Collection method: clinical testing. Allele origin: germline.

Genetic Services Laboratory, University of Chicago
Classification: Uncertain significance. Last evaluated: 2022-05-31. Review status: no assertion criteria provided. Collection method: clinical testing. Allele origin: germline. Affected: no. Not counted in ClinVar's aggregate classification.
Comment: DNA sequence analysis of the KISS1R gene demonstrated a sequence change, c.1065C>G, in exon 5 that results in an amino acid change, p.Asp355Glu. This sequence change does not appear to have been previously described in individuals with KISS1R-related disorders and has also not been described in population databases such as gnomAD. The p.Asp355Glu change affects a moderately conserved amino acid residue located in a domain of the KISS1R protein that is not known to be functional. In-silico pathogenicity prediction tools (SIFT, PolyPhen2, Align GVGD, REVEL) provide contradictory results for the p.Asp355Glu substitution. Due to insufficient evidences and the lack of functional studies, the clinical significance of the p.Asp355Glu change remains unknown at this time.